The following is an entry in ClinVar:

ClinVar aggregate classification (germline): Uncertain significance. Review status: criteria provided, multiple submitters, no conflicts (2 of 4 stars). 2 submissions from 2 submitters: Uncertain significance (2). Last evaluated 2025-08-21.

Conditions:
Inborn genetic diseases. Identifiers: MedGen C0950123, MeSH D030342.

gnomAD v4.1: 13 of 1,614,072 alleles (0.00081%); highest among the groups gnomAD compares: Non-Finnish European, 0.0011%; no homozygotes.

Submissions (2):

Ambry Genetics
Classification: Uncertain significance for Inborn genetic diseases. Last evaluated: 2025-08-21. Review status: criteria provided, single submitter. Criteria: Ambry Variant Classification Scheme 2023. Collection method: clinical testing. Allele origin: germline.

Labcorp Genetics (formerly Invitae), Labcorp
Classification: Uncertain significance. Last evaluated: 2024-11-03. Review status: criteria provided, single submitter. Criteria: Invitae Variant Classification Sherloc (09022015). Collection method: clinical testing. Allele origin: germline.
Comment: This sequence change replaces isoleucine, which is neutral and non-polar, with valine, which is neutral and non-polar, at codon 3786 of the FAT4 protein (p.Ile3786Val). This variant is not present in population databases (gnomAD no frequency). This variant has not been reported in the literature in individuals affected with FAT4-related conditions. Invitae Evidence Modeling of protein sequence and biophysical properties (such as structural, functional, and spatial information, amino acid conservation, physicochemical variation, residue mobility, and thermodynamic stability) indicates that this missense variant is not expected to disrupt FAT4 protein function with a negative predictive value of 95%. In summary, the available evidence is currently insufficient to determine the role of this variant in disease. Therefore, it has been classified as a Variant of Uncertain Significance.

NM_001291303.3(FAT4):c.11362A>G (p.Ile3788Val)

Gene: FAT4 (FAT atypical cadherin 4; plus strand). Cytogenetic location: 4q28.1.
Variant type: single nucleotide variant.
Coding change: c.11362A>G on transcript NM_001291303.3 (MANE Select); coding-DNA position 11362, A replaced by G.
Protein change: p.Ile3788Val; replaces isoleucine 3788 with valine.
Molecular consequence: missense variant.
Genome position (GRCh38, 1-based): chr4:125,452,372, A>G. VCF-style: chr4-125452372-A-G. GRCh37 (hg19) VCF-style: chr4-126373527-A-G.
Other names: c.11356A>G (NM_024582.4); c.11362A>G, p.Ile3788Val (NM_001291285.3); c.11356A>G, p.Ile3786Val (NM_024582.6); short protein forms I3788V, I3786V.
Identifiers: ClinVar variation 3679650 (VCV003679650.3).